The following is an entry in ClinVar:

ClinVar aggregate classification (germline): Uncertain significance (1 of 4 stars; one submission).

Submission:

CeGaT Center for Human Genetics Tuebingen
Classification: Uncertain significance. Last evaluated: 2023-02-01. Review status: criteria provided, single submitter. Criteria: CeGaT Center For Human Genetics Tuebingen Variant Classification Criteria Version 2. Collection method: clinical testing. Allele origin: germline. Affected: yes. Observed: 1 variant allele.
Comment: MYH9: PM2, PP2, BP4, BP5

NM_002473.6(MYH9):c.5425A>C (p.Ile1809Leu)

Gene: MYH9 (myosin heavy chain 9; minus strand). Cytogenetic location: 22q12.3.
Variant type: single nucleotide variant.
Coding change: c.5425A>C on transcript NM_002473.6 (MANE Select); coding-DNA position 5425, A replaced by C.
Protein change: p.Ile1809Leu; replaces isoleucine 1809 with leucine.
Molecular consequence: missense variant.
Genome position (GRCh38, 1-based): chr22:36,285,179, T>G on the plus strand (A>C on the coding strand, the complement: MYH9 is on the minus strand). VCF-style: chr22-36285179-T-G. GRCh37 (hg19) VCF-style: chr22-36681225-T-G.
Other names: short protein forms I1809L.
Identifiers: ClinVar variation 2498903 (VCV002498903.28), dbSNP rs2517947216, ClinGen allele CA411373503.